The following is an entry in ClinVar:

NM_138927.4(SON):c.2236C>T (p.Leu746=)

Gene: SON (SON DNA and RNA binding protein; plus strand). Cytogenetic location: 21q22.11.
Variant type: single nucleotide variant.
Coding change: c.2236C>T on transcript NM_138927.4 (MANE Select); coding-DNA position 2236, C replaced by T.
Protein change: p.Leu746=; no amino-acid change (leucine 746 retained).
Molecular consequence: synonymous variant. On other transcripts: non-coding transcript variant (1), intron variant (1).
Genome position (GRCh38, 1-based): chr21:33,551,467, C>T. VCF-style: chr21-33551467-C-T. GRCh37 (hg19) VCF-style: chr21-34923773-C-T.
Other names: c.2236C>T, p.Leu746= (NM_001291411.2, NM_032195.3); c.244+5088C>T (NM_001291412.3).
Identifiers: ClinVar variation 5038491 (VCV005038491.1).

ClinVar aggregate classification (germline): Likely benign (1 of 4 stars; one submission).

Submission:

CeGaT Center for Human Genetics Tuebingen
Classification: Likely benign. Last evaluated: 2026-08-01. Review status: criteria provided, single submitter. Criteria: CeGaT Center For Human Genetics Tuebingen Variant Classification Criteria Version 2. Collection method: clinical testing. Allele origin: germline. Affected: yes. Observed: 1 variant allele.
Comment: SON: BP4, BP7